The following is an entry in ClinVar:

NM_007294.4(BRCA1):c.5496_5499del (p.Val1833fs)

Gene: BRCA1 (BRCA1 DNA repair associated; minus strand). Cytogenetic location: 17q21.31.
Variant type: Deletion.
Coding change: c.5496_5499del on transcript NM_007294.4 (MANE Select); coding-DNA positions 5496 to 5499, 4 bases deleted (GGTG; older notation c.5496_5499delGGTG).
Protein change: p.Val1833fs; shifts the reading frame from valine 1833.
Molecular consequence: frameshift variant. On other transcripts: 3 prime UTR variant (1), non-coding transcript variant (1).
Genome position (GRCh38, 1-based): chr17:43,045,771-43,045,774, CACC deleted on the plus strand (GGTG on the coding strand, the reverse complement: BRCA1 is on the minus strand). VCF-style (leftmost placement, unchanged base first): chr17-43045770-TCACC-T. GRCh37 (hg19) VCF-style: chr17-41197787-TCACC-T.
Other names: 5615_5618delGGTG; c.5355_5358delGGTG, p.Val1786Profs (NM_001407694.1, NM_001407695.1, NM_001407696.1 and 11 more transcripts); c.5352_5355delGGTG, p.Val1785Profs (NM_001407732.1, NM_001407733.1, NM_001407734.1 and 18 more transcripts); c.5349_5352delGGTG, p.Val1784Profs (NM_001407838.1, NM_001407839.1, NM_001407841.1 and 12 more transcripts); c.*10_*13delGGTG (NM_001407854.1, NM_001407858.1, NM_001407859.1 and 13 more transcripts); c.5295_5298delGGTG, p.Val1766Profs (NM_001407862.1); c.5292_5295delGGTG, p.Val1765Profs (NM_001407863.1); c.5289_5292delGGTG, p.Val1764Profs (NM_001407874.1, NM_001407875.1); and 78 more; short protein forms V1854fs, V729fs, V1833fs, V1786fs.
Identifiers: ClinVar variation 236274 (VCV000236274.4), dbSNP rs878853296, ClinGen allele CA10581594.

ClinVar aggregate classification (germline): Pathogenic. Review status: reviewed by expert panel (3 of 4 stars). 2 submissions from 2 submitters: Pathogenic (1). 1 of the submissions does not count toward it. Last evaluated 2016-04-22.

Conditions:
Breast-ovarian cancer, familial, susceptibility to, 1 (BROVCA1). Also called: BRCA1 Hereditary Breast and Ovarian Cancer; OVARIAN CANCER, SUSCEPTIBILITY TO. Identifiers: Orphanet 145, MedGen C2676676, MONDO:0011450, OMIM 604370. Disease mechanism: loss of function.

Submissions (2):

Evidence-based Network for the Interpretation of Germline Mutant Alleles (ENIGMA)
Classification: Pathogenic for Breast-ovarian cancer, familial, susceptibility to, 1. Last evaluated: 2016-04-22. Review status: reviewed by expert panel. Criteria: ENIGMA BRCA1/2 Classification Criteria (2015). Collection method: curation. Allele origin: germline.
Comment: Variant allele predicted to encode a truncated non-functional protein.

Consortium of Investigators of Modifiers of BRCA1/2 (CIMBA), c/o University of Cambridge
Classification: Pathogenic for Breast-ovarian cancer, familial, susceptibility to, 1. Last evaluated: 2015-10-02. Review status: criteria provided, single submitter. Criteria: CIMBA Mutation Classification guidelines May 2016. Collection method: clinical testing. Allele origin: germline. Not counted in ClinVar's aggregate classification.